The following is an entry in ClinVar:

ClinVar aggregate classification (germline): Uncertain significance (1 of 4 stars; one submission).

Conditions:
Neuropathy, hereditary sensory, type 2C. Also called: KIF1A-Related HSAN2 (HSAN2C); Hereditary sensory and autonomic neuropathy type IIC. Identifiers: Orphanet 970, MedGen C3280168, MONDO:0013634, OMIM 614213.
Hereditary spastic paraplegia 30. Identifiers: Orphanet 101010, MedGen C5235139, MONDO:0012476.
Intellectual disability, autosomal dominant 9 (NESCAVS). Also called: NESCAV SYNDROME; KIF1A-Related Neurodevelopmental Disorder. Identifiers: Orphanet 662367, MedGen C5393830, MONDO:0013656, OMIM 614255.

Submission:

Labcorp Genetics (formerly Invitae), Labcorp
Classification: Uncertain significance for Hereditary spastic paraplegia 30; Neuropathy, hereditary sensory, type 2C; Intellectual disability, autosomal dominant 9. Last evaluated: 2023-02-06. Review status: criteria provided, single submitter. Criteria: Invitae Variant Classification Sherloc (09022015). Collection method: clinical testing. Allele origin: germline.
Comment: In summary, the available evidence is currently insufficient to determine the role of this variant in disease. Therefore, it has been classified as a Variant of Uncertain Significance. Advanced modeling of protein sequence and biophysical properties (such as structural, functional, and spatial information, amino acid conservation, physicochemical variation, residue mobility, and thermodynamic stability) has been performed at Invitae for this missense variant, however the output from this modeling did not meet the statistical confidence thresholds required to predict the impact of this variant on KIF1A protein function. This variant has not been reported in the literature in individuals affected with KIF1A-related conditions. This variant is not present in population databases (gnomAD no frequency). This sequence change replaces proline, which is neutral and non-polar, with serine, which is neutral and polar, at codon 781 of the KIF1A protein (p.Pro781Ser).

NM_001244008.2(KIF1A):c.2368C>T (p.Pro790Ser)

Gene: KIF1A (kinesin family member 1A; minus strand). Cytogenetic location: 2q37.3.
Variant type: single nucleotide variant.
Coding change: c.2368C>T on transcript NM_001244008.2 (MANE Select); coding-DNA position 2368, C replaced by T.
Protein change: p.Pro790Ser; replaces proline 790 with serine.
Molecular consequence: missense variant.
Genome position (GRCh38, 1-based): chr2:240,760,741, G>A on the plus strand (C>T on the coding strand, the complement: KIF1A is on the minus strand). VCF-style: chr2-240760741-G-A. GRCh37 (hg19) VCF-style: chr2-241700158-G-A.
Other names: c.2368C>T, p.Pro790Ser (NM_001320705.2, NM_001330289.2, NM_001379638.1); c.2443C>T, p.Pro815Ser (NM_001330290.2, NM_001379631.1, NM_001379634.1 and 2 more transcripts); c.2341C>T, p.Pro781Ser (NM_001379632.1, NM_001379633.1, NM_001379636.1 and 11 more transcripts); c.2416C>T, p.Pro806Ser (NM_001379637.1, NM_001379648.1); short protein forms P781S, P815S, P790S, P806S.
Identifiers: ClinVar variation 2946888 (VCV002946888.3), dbSNP rs2537598768, ClinGen allele CA351324786.